The following is an entry in ClinVar:

NM_002225.5(IVD):c.52C>T (p.Arg18Trp)

Gene: IVD (isovaleryl-CoA dehydrogenase; plus strand). Cytogenetic location: 15q15.1.
Variant type: single nucleotide variant.
Coding change: c.52C>T on transcript NM_002225.5 (MANE Select); coding-DNA position 52, C replaced by T.
Protein change: p.Arg18Trp; replaces arginine 18 with tryptophan.
Molecular consequence: missense variant. On other transcripts: 5 prime UTR variant (1), non-coding transcript variant (1).
Genome position (GRCh38, 1-based): chr15:40,405,879, C>T. VCF-style: chr15-40405879-C-T. GRCh37 (hg19) VCF-style: chr15-40698080-C-T.
Other names: c.52C>T, p.Arg18Trp (NM_001159508.3, NM_001354598.3, NM_001354599.3 and 2 more transcripts); c.-376C>T (NM_001354597.3); short protein forms R18W.
Identifiers: ClinVar variation 967526 (VCV000967526.11), dbSNP rs375138989, ClinGen allele CA268823552.

ClinVar aggregate classification (germline): Uncertain significance. Review status: criteria provided, multiple submitters, no conflicts (2 of 4 stars). 3 submissions from 3 submitters: Uncertain significance (2). 1 of the submissions does not count toward it. Last evaluated 2025-02-10.

Conditions:
Inborn genetic diseases. Identifiers: MedGen C0950123, MeSH D030342.
Isovaleryl-CoA dehydrogenase deficiency (IVA). Also called: Isovaleric acidemia; ISOVALERIC ACID CoA DEHYDROGENASE DEFICIENCY; Classic Isovaleric Acidemia; IVD DEFICIENCY. Identifiers: Orphanet 33, MedGen C0268575, MONDO:0009475, OMIM 243500.

Allele frequency attached by ClinVar (database versions not stated): gnomAD exomes 0.00001 and 0.00002; gnomAD 0.00003 and 0.00004; TOPMed 0.00003; ESP Exome Variant Server 0.00008.

Submissions (3):

Ambry Genetics
Classification: Uncertain significance for Inborn genetic diseases. Last evaluated: 2025-02-10. Review status: criteria provided, single submitter. Criteria: Ambry Variant Classification Scheme 2023. Collection method: clinical testing. Allele origin: germline.

Labcorp Genetics (formerly Invitae), Labcorp
Classification: Uncertain significance for Isovaleryl-CoA dehydrogenase deficiency. Last evaluated: 2021-08-27. Review status: criteria provided, single submitter. Criteria: Invitae Variant Classification Sherloc (09022015). Collection method: clinical testing. Allele origin: germline.
Comment: This sequence change replaces arginine with tryptophan at codon 21 of the IVD protein (p.Arg21Trp). The arginine residue is moderately conserved and there is a moderate physicochemical difference between arginine and tryptophan. This variant is not present in population databases (ExAC no frequency). This variant has not been reported in the literature in individuals affected with IVD-related conditions. Algorithms developed to predict the effect of missense changes on protein structure and function are either unavailable or do not agree on the potential impact of this missense change (SIFT: "Deleterious"; PolyPhen-2: "Possibly Damaging"; Align-GVGD: "Class C0"). In summary, the available evidence is currently insufficient to determine the role of this variant in disease. Therefore, it has been classified as a Variant of Uncertain Significance.

Natera, Inc.
Classification: Uncertain significance for Isovaleryl-coa dehydrogenase deficiency. Last evaluated: 2018-08-03. Review status: no assertion criteria provided. Collection method: clinical testing. Allele origin: germline. Not counted in ClinVar's aggregate classification.